The following is an entry in ClinVar:

ClinVar aggregate classification (germline): Uncertain significance (1 of 4 stars; one submission).

Conditions:
Dilated cardiomyopathy 1J (CMD1J). Also called: CARDIOMYOPATHY, DILATED, WITH SENSORINEURAL HEARING LOSS, AUTOSOMAL DOMINANT. Identifiers: Orphanet 217622, MedGen C1854368, MONDO:0011541, OMIM 605362.

gnomAD v4.1: 4 of 1,614,014 alleles (0.00025%); highest among the groups gnomAD compares: Non-Finnish European, 0.00034%; no homozygotes.

Submission:

Labcorp Genetics (formerly Invitae), Labcorp
Classification: Uncertain significance for Dilated cardiomyopathy 1J. Last evaluated: 2025-06-29. Review status: criteria provided, single submitter. Criteria: Invitae Variant Classification Sherloc (09022015). Collection method: clinical testing. Allele origin: germline.
Comment: This sequence change replaces serine, which is neutral and polar, with phenylalanine, which is neutral and non-polar, at codon 361 of the EYA4 protein (p.Ser361Phe). This variant is present in population databases (rs750925470, gnomAD 0.0009%). This variant has not been reported in the literature in individuals affected with EYA4-related conditions. Invitae Evidence Modeling of protein sequence and biophysical properties (such as structural, functional, and spatial information, amino acid conservation, physicochemical variation, residue mobility, and thermodynamic stability) indicates that this missense variant is not expected to disrupt EYA4 protein function with a negative predictive value of 80%. In summary, the available evidence is currently insufficient to determine the role of this variant in disease. Therefore, it has been classified as a Variant of Uncertain Significance.

NM_004100.5(EYA4):c.1082C>T (p.Ser361Phe)

Gene: EYA4 (EYA transcriptional coactivator and phosphatase 4; plus strand). Cytogenetic location: 6q23.2.
Variant type: single nucleotide variant.
Coding change: c.1082C>T on transcript NM_004100.5 (MANE Select); coding-DNA position 1082, C replaced by T.
Protein change: p.Ser361Phe; replaces serine 361 with phenylalanine.
Molecular consequence: missense variant.
Genome position (GRCh38, 1-based): chr6:133,481,574, C>T. VCF-style: chr6-133481574-C-T. GRCh37 (hg19) VCF-style: chr6-133802712-C-T.
Other names: c.920C>T, p.Ser307Phe (NM_001301012.2); c.1100C>T, p.Ser367Phe (NM_001301013.2); c.1013C>T, p.Ser338Phe (NM_001370458.1, NM_172103.4); c.938C>T, p.Ser313Phe (NM_001370459.1); c.1082C>T, p.Ser361Phe (NM_172105.4); short protein forms S307F, S313F, S338F, S361F, S367F.
Identifiers: ClinVar variation 4804093 (VCV004804093.1).